The following is an entry in ClinVar:

ClinVar aggregate classification (germline): Uncertain significance. Review status: criteria provided, multiple submitters, no conflicts (2 of 4 stars). 2 submissions from 2 submitters: Uncertain significance (2). Last evaluated 2024-10-14.

Conditions:
Inborn genetic diseases. Identifiers: MedGen C0950123, MeSH D030342.
Renal carnitine transport defect (CDSP). Also called: Primary carnitine deficiency; CARNITINE DEFICIENCY, SYSTEMIC, DUE TO DEFECT IN RENAL REABSORPTION OF CARNITINE; CARNITINE TRANSPORTER, PLASMA-MEMBRANE, DEFICIENCY OF; CARNITINE UPTAKE DEFECT; Carnitine Deficiency, Systemic; Systemic primary carnitine deficiency. Identifiers: Orphanet 158, MedGen C0342788, MONDO:0008919, OMIM 212140.

Allele frequency attached by ClinVar (database versions not stated): ExAC 0.00001; gnomAD exomes 0.00002; gnomAD 0.00004 and 0.00005; 1000 Genomes Project 30x 0.00016; 1000 Genomes Project 0.00020.
gnomAD v4.1: 14 of 1,614,180 alleles (0.00087%); highest among the groups gnomAD compares: East Asian, 0.013%; no homozygotes.

Submissions (2):

Labcorp Genetics (formerly Invitae), Labcorp
Classification: Uncertain significance for Renal carnitine transport defect. Last evaluated: 2024-10-14. Review status: criteria provided, single submitter. Criteria: Invitae Variant Classification Sherloc (09022015). Collection method: clinical testing. Allele origin: germline.
Comment: This sequence change replaces proline, which is neutral and non-polar, with arginine, which is basic and polar, at codon 516 of the SLC22A5 protein (p.Pro516Arg). This variant is present in population databases (rs563142575, gnomAD 0.02%). This variant has not been reported in the literature in individuals affected with SLC22A5-related conditions. ClinVar contains an entry for this variant (Variation ID: 1370763). Invitae Evidence Modeling of protein sequence and biophysical properties (such as structural, functional, and spatial information, amino acid conservation, physicochemical variation, residue mobility, and thermodynamic stability) has been performed for this missense variant. However, the output from this modeling did not meet the statistical confidence thresholds required to predict the impact of this variant on SLC22A5 protein function. In summary, the available evidence is currently insufficient to determine the role of this variant in disease. Therefore, it has been classified as a Variant of Uncertain Significance.

Ambry Genetics
Classification: Uncertain significance for Inborn genetic diseases. Last evaluated: 2024-08-11. Review status: criteria provided, single submitter. Criteria: Ambry Variant Classification Scheme 2023. Collection method: clinical testing. Allele origin: germline.

NM_003060.4(SLC22A5):c.1547C>G (p.Pro516Arg)

Gene: SLC22A5 (solute carrier family 22 member 5; plus strand). Cytogenetic location: 5q31.1.
Variant type: single nucleotide variant.
Coding change: c.1547C>G on transcript NM_003060.4 (MANE Select); coding-DNA position 1547, C replaced by G.
Protein change: p.Pro516Arg; replaces proline 516 with arginine.
Molecular consequence: missense variant.
Genome position (GRCh38, 1-based): chr5:132,393,772, C>G. VCF-style: chr5-132393772-C-G. GRCh37 (hg19) VCF-style: chr5-131729464-C-G.
Other names: c.1619C>G, p.Pro540Arg (NM_001308122.2); c.1547C>G (NM_003060.3); short protein forms P540R, P516R.
Identifiers: ClinVar variation 1370763 (VCV001370763.5), dbSNP rs563142575, ClinGen allele CA3404192.
Genomic context (GRCh38, chr5:132,393,772, plus strand): 5'-GAAGTCTGACCATCCTGACAGCCATCCTCACCTTGTTTCTCCCAGAGAGCTTCGGTACCC[C>G]ACTCCCAGACACCATTGACCAGATGCTAAGAGTCAAAGGGTAAGAAGACCTCCTCTGTCA-3'
Protein context (NP_003051.1, residues 506-526): TLFLPESFGT[Pro516Arg]LPDTIDQMLR